The following is an entry in ClinVar:

NM_001128178.3(NPHP1):c.561T>C (p.Asp187=)

Gene: NPHP1 (nephrocystin 1; minus strand). Cytogenetic location: 2q13.
Variant type: single nucleotide variant.
Coding change: c.561T>C on transcript NM_001128178.3 (MANE Select); coding-DNA position 561, T replaced by C.
Protein change: p.Asp187=; no amino-acid change (aspartic acid 187 retained).
Molecular consequence: synonymous variant.
Genome position (GRCh38, 1-based): chr2:110,168,515, A>G on the plus strand (T>C on the coding strand, the complement: NPHP1 is on the minus strand). VCF-style: chr2-110168515-A-G. GRCh37 (hg19) VCF-style: chr2-110926092-A-G.
Other names: c.561T>C, p.Asp187= (NM_000272.5, NM_001374256.1, NM_001374257.1 and 1 more transcripts); c.375T>C, p.Asp125= (NM_001128179.3); c.561T>C (NM_000272.3).
Identifiers: ClinVar variation 1980939 (VCV001980939.6), dbSNP rs368173886, ClinGen allele CA53517814.

ClinVar aggregate classification (germline): Likely benign. Review status: criteria provided, multiple submitters, no conflicts (2 of 4 stars). 3 submissions from 3 submitters: Likely benign (2). 1 of the submissions does not count toward it. Last evaluated 2024-04-23.

Conditions:
NPHP1-related disorder. Also called: NPHP1-related condition; NPHP1-related disorders.
Nephronophthisis. Also called: Juvenile Nephronophthisis. Identifiers: Orphanet 655, MedGen C0687120, MONDO:0019005, HP:0000090.

Allele frequency attached by ClinVar (database versions not stated): gnomAD exomes below 0.00001; gnomAD 0.00001; TOPMed 0.00001.
gnomAD v4.1: 7 of 1,613,258 alleles (0.00043%); highest among the groups gnomAD compares: East Asian, 0.0022%; no homozygotes.

Submissions (3):

Blueprint Genetics
Classification: Likely benign. Last evaluated: 2024-04-23. Review status: criteria provided, single submitter. Criteria: ACMG Guidelines, 2015. Collection method: clinical testing. Allele origin: germline.

Labcorp Genetics (formerly Invitae), Labcorp
Classification: Likely benign for Nephronophthisis. Last evaluated: 2024-02-09. Review status: criteria provided, single submitter. Criteria: Invitae Variant Classification Sherloc (09022015). Collection method: clinical testing. Allele origin: germline.

PreventionGenetics, part of Exact Sciences
Classification: Likely benign for NPHP1-related condition. Last evaluated: 2024-09-25. Review status: no assertion criteria provided. Collection method: clinical testing. Allele origin: germline. Not counted in ClinVar's aggregate classification.
Comment: This variant is classified as likely benign based on ACMG/AMP sequence variant interpretation guidelines (Richards et al. 2015 PMID: 25741868, with internal and published modifications).